The following is an entry in ClinVar:

ClinVar aggregate classification (germline): Uncertain significance (1 of 4 stars; one submission).

Conditions:
Familial focal epilepsy with variable foci (FPEVF). Identifiers: Orphanet 98820, MedGen C1858477, MONDO:0020310.

Submission:

Labcorp Genetics (formerly Invitae), Labcorp
Classification: Uncertain significance for Familial focal epilepsy with variable foci. Last evaluated: 2025-11-27. Review status: criteria provided, single submitter. Criteria: Invitae Variant Classification Sherloc (09022015). Collection method: clinical testing. Allele origin: germline.
Comment: This sequence change falls in intron 8 of the DEPDC5 gene. It does not directly change the encoded amino acid sequence of the DEPDC5 protein. This variant is not present in population databases (gnomAD no frequency). This variant has not been reported in the literature in individuals affected with DEPDC5-related conditions. Algorithms developed to predict the effect of sequence changes on RNA splicing suggest that this variant may disrupt the consensus splice site. In summary, the available evidence is currently insufficient to determine the role of this variant in disease. Therefore, it has been classified as a Variant of Uncertain Significance.

NM_001242896.3(DEPDC5):c.484-8_484-4del

Gene: DEPDC5 (DEP domain containing 5, GATOR1 subcomplex subunit; plus strand). Cytogenetic location: 22q12.2.
Variant type: Deletion.
Coding change: c.484-8_484-4del on transcript NM_001242896.3 (MANE Select); 8 bases into the intron before coding-DNA position 484 through 4 bases into the intron before coding-DNA position 484, 5 bases deleted (TATTT; older notation c.484-8_484-4delTATTT).
Molecular consequence: intron variant.
Genome position (GRCh38, 1-based): chr22:31,783,899-31,783,903, TATTT deleted; deleting any 5 consecutive bases within chr22:31,783,896-31,783,903 gives the same sequence; the c. name uses the placement nearest the transcript's 3' end. VCF-style (leftmost placement, unchanged base first): chr22-31783895-TTTTTA-T. GRCh37 (hg19) VCF-style: chr22-32179881-TTTTTA-T.
Other names: c.484-8_484-4del (NM_001364318.2, NM_001136029.4, NM_014662.6 and 7 more transcripts); c.400-8_400-4del (NM_001369902.1, NM_001369901.1).
Identifiers: ClinVar variation 4732106 (VCV004732106.1).